The following is an entry in ClinVar:

ClinVar aggregate classification (germline): Pathogenic (1 of 4 stars; one submission).

Conditions:
Duchenne muscular dystrophy (DMD). Also called: MUSCULAR DYSTROPHY, PSEUDOHYPERTROPHIC PROGRESSIVE, DUCHENNE TYPE; Duchenne Muscular Dystrophy (DMD). Identifiers: Orphanet 98896, MedGen C0013264, MONDO:0010679, OMIM 310200.

Submission:

Labcorp Genetics (formerly Invitae), Labcorp
Classification: Pathogenic for Duchenne muscular dystrophy. Last evaluated: 2023-05-08. Review status: criteria provided, single submitter. Criteria: Invitae Variant Classification Sherloc (09022015). Collection method: clinical testing. Allele origin: germline.
Comment: ClinVar contains an entry for this variant (Variation ID: 1322339). This sequence change creates a premature translational stop signal (p.Glu477*) in the DMD gene. It is expected to result in an absent or disrupted protein product. Loss-of-function variants in DMD are known to be pathogenic (PMID: 16770791, 25007885). This variant is not present in population databases (gnomAD no frequency). This premature translational stop signal has been observed in individual(s) with Duchenne muscular dystrophy (PMID: 19937601). For these reasons, this variant has been classified as Pathogenic.

Literature cited by the submitters: PubMed 16770791; PubMed 25007885; PubMed 19937601.

NM_004006.3(DMD):c.1429G>T (p.Glu477Ter)

Gene: DMD (dystrophin; minus strand). Cytogenetic location: Xp21.1.
Variant type: single nucleotide variant.
Coding change: c.1429G>T on transcript NM_004006.3 (MANE Select); coding-DNA position 1429, G replaced by T.
Protein change: p.Glu477Ter; replaces glutamic acid 477 with a stop codon.
Molecular consequence: nonsense.
Genome position (GRCh38, 1-based): chrX:32,614,356, C>A on the plus strand (G>T on the coding strand, the complement: DMD is on the minus strand). VCF-style: chrX-32614356-C-A. GRCh37 (hg19) VCF-style: chrX-32632473-C-A.
Other names: c.1405G>T, p.Glu469Ter (NM_000109.4); c.1417G>T, p.Glu473Ter (NM_004009.3); c.1060G>T, p.Glu354Ter (NM_004010.3); short protein forms E354*, E469*, E473*, E477*.
Identifiers: ClinVar variation 1322339 (VCV001322339.6), dbSNP rs1357942538, ClinGen allele CA412669914.